The following is an entry in ClinVar:

ClinVar aggregate classification (germline): Likely benign. Review status: criteria provided, multiple submitters, no conflicts (2 of 4 stars). 4 submissions from 4 submitters: Likely benign (4). Last evaluated 2026-09-01.

Conditions:
Inborn genetic diseases. Identifiers: MedGen C0950123, MeSH D030342.
Autosomal dominant nocturnal frontal lobe epilepsy 5. Also called: CILIARY DYSKINESIA, PRIMARY, 28, WITHOUT SITUS INVERSUS; CILIARY DYSKINESIA, PRIMARY, 28, WITH SITUS INVERSUS; Epilepsy, nocturnal frontal lobe, 5; KCNT1-Related Epilepsy. Identifiers: Orphanet 98784, MedGen C3554306, MONDO:0014002, OMIM 615005.
Developmental and epileptic encephalopathy, 14 (DEE14). Also called: Early infantile epileptic encephalopathy 14. Identifiers: Orphanet 293181, MedGen C3554195, MONDO:0013989, OMIM 614959.

Allele frequency attached by ClinVar (database versions not stated): gnomAD 0.00003 and 0.00004; gnomAD exomes 0.00003; TOPMed 0.00003; ExAC 0.00004.
gnomAD v4.1: 51 of 1,610,642 alleles (0.0032%); highest among the groups gnomAD compares: Middle Eastern, 0.033%; 1 homozygote.

Submissions (4):

CeGaT Center for Human Genetics Tuebingen
Classification: Likely benign. Last evaluated: 2026-09-01. Review status: criteria provided, single submitter. Criteria: CeGaT Center For Human Genetics Tuebingen Variant Classification Criteria Version 2. Collection method: clinical testing. Allele origin: germline. Affected: yes. Observed: 1 variant allele.
Comment: KCNT1: BP4, BS2

Labcorp Genetics (formerly Invitae), Labcorp
Classification: Likely benign for Autosomal dominant nocturnal frontal lobe epilepsy 5; Developmental and epileptic encephalopathy, 14. Last evaluated: 2026-01-09. Review status: criteria provided, single submitter. Criteria: Invitae Variant Classification Sherloc (09022015). Collection method: clinical testing. Allele origin: germline.

Ambry Genetics
Classification: Likely benign for Inborn genetic diseases. Last evaluated: 2024-07-30. Review status: criteria provided, single submitter. Criteria: Ambry Variant Classification Scheme 2023. Collection method: clinical testing. Allele origin: germline.

GeneDx
Classification: Likely benign. Last evaluated: 2019-07-16. Review status: criteria provided, single submitter. Criteria: GeneDx Variant Classification Process June 2021. Collection method: clinical testing. Allele origin: germline. Affected: yes.

NM_020822.3(KCNT1):c.3245G>A (p.Arg1082His)

Gene: KCNT1 (potassium sodium-activated channel subfamily T member 1; plus strand). Cytogenetic location: 9q34.3.
Variant type: single nucleotide variant.
Coding change: c.3245G>A on transcript NM_020822.3 (MANE Select); coding-DNA position 3245, G replaced by A.
Protein change: p.Arg1082His; replaces arginine 1082 with histidine.
Molecular consequence: missense variant.
Genome position (GRCh38, 1-based): chr9:135,786,264, G>A. VCF-style: chr9-135786264-G-A. GRCh37 (hg19) VCF-style: chr9-138678110-G-A.
Other names: c.3110G>A, p.Arg1037His (NM_001272003.2); short protein forms R1082H, R1037H.
Identifiers: ClinVar variation 451138 (VCV000451138.16), dbSNP rs760151844, ClinGen allele CA5327757.